The following is an entry in ClinVar:

NM_001126121.2(SLC25A19):c.959G>A (p.Arg320His)

Genes: MIF4GD-DT (MIF4GD divergent transcript; plus strand), SLC25A19 (solute carrier family 25 member 19; minus strand). Cytogenetic location: 17q25.1.
Variant type: single nucleotide variant.
Coding change: c.959G>A on transcript NM_001126121.2 (MANE Select); coding-DNA position 959, G replaced by A.
Protein change: p.Arg320His; replaces arginine 320 with histidine.
Molecular consequence: missense variant. On other transcripts: non-coding transcript variant (1).
Genome position (GRCh38, 1-based): chr17:75,273,455, C>T on the plus strand (G>A on the coding strand, the complement: SLC25A19 is on the minus strand). VCF-style: chr17-75273455-C-T. GRCh37 (hg19) VCF-style: chr17-73269536-C-T.
Other names: c.959G>A, p.Arg320His (NM_001126122.2, NM_021734.5); c.959G>A (NM_021734.4); short protein forms R320H.
Identifiers: ClinVar variation 2162573 (VCV002162573.3), dbSNP rs780717775, ClinGen allele CA8760856.

ClinVar aggregate classification (germline): Uncertain significance. Review status: criteria provided, multiple submitters, no conflicts (2 of 4 stars). 2 submissions from 2 submitters: Uncertain significance (2). Last evaluated 2025-06-25.

Conditions:
Inborn genetic diseases. Identifiers: MedGen C0950123, MeSH D030342.

Allele frequency attached by ClinVar (database versions not stated): gnomAD exomes 0.00002; gnomAD 0.00003; TOPMed 0.00007; ExAC 0.00008.
gnomAD v4.1: 33 of 1,613,648 alleles (0.002%); highest among the groups gnomAD compares: East Asian, 0.027%; no homozygotes.

Submissions (2):

Ambry Genetics
Classification: Uncertain significance for Inborn genetic diseases. Last evaluated: 2025-06-25. Review status: criteria provided, single submitter. Criteria: Ambry Variant Classification Scheme 2023. Collection method: clinical testing. Allele origin: germline.

Labcorp Genetics (formerly Invitae), Labcorp
Classification: Uncertain significance. Last evaluated: 2022-08-23. Review status: criteria provided, single submitter. Criteria: Invitae Variant Classification Sherloc (09022015). Collection method: clinical testing. Allele origin: germline.
Comment: This sequence change replaces arginine, which is basic and polar, with histidine, which is basic and polar, at codon 320 of the SLC25A19 protein (p.Arg320His). In summary, the available evidence is currently insufficient to determine the role of this variant in disease. Therefore, it has been classified as a Variant of Uncertain Significance. Algorithms developed to predict the effect of missense changes on protein structure and function output the following: SIFT: "Tolerated"; PolyPhen-2: "Benign"; Align-GVGD: "Class C0". The histidine amino acid residue is found in multiple mammalian species, which suggests that this missense change does not adversely affect protein function. This variant has not been reported in the literature in individuals affected with SLC25A19-related conditions. This variant is present in population databases (rs780717775, gnomAD 0.08%).